The following is an entry in ClinVar:

ClinVar aggregate classification (germline): Conflicting classifications of pathogenicity. Review status: criteria provided, conflicting classifications (1 of 4 stars). 7 submissions from 7 submitters: Uncertain significance (1); Benign (3); Likely benign (3). Last evaluated 2026-02-03.

Conditions:
Lymphangiomyomatosis (LAM). Also called: Lymphangioleiomyomatosis, somatic; Lymphangioleiomyomatosis. Identifiers: Orphanet 538, MedGen C0751674, MONDO:0011705, OMIM 606690.
Tuberous sclerosis 1 (TSC1). Identifiers: Orphanet 805, MedGen C1854465, MONDO:0008612, OMIM 191100.
Isolated focal cortical dysplasia type II (FCORD2). Also called: Focal cortical dysplasia type II; CORTICAL DYSPLASIA OF TAYLOR. Identifiers: Orphanet 268994, MedGen C1846385, MONDO:0011818, OMIM 607341, HP:0032051.
Hereditary cancer-predisposing syndrome. Also called: Tumor predisposition; Hereditary neoplastic syndrome; Hereditary Cancer Syndrome; Neoplastic Syndromes, Hereditary. Identifiers: Orphanet 140162, MedGen C0027672, MeSH D009386, MONDO:0015356.

Allele frequency attached by ClinVar (database versions not stated): gnomAD 0.00013 and 0.00023; ESP Exome Variant Server 0.00015; gnomAD exomes 0.00017 and 0.00028; TOPMed 0.00030; ExAC 0.00033; 1000 Genomes Project 30x 0.00078; 1000 Genomes Project 0.00080.
gnomAD v4.1: 289 of 1,602,844 alleles (0.018%); highest among the groups gnomAD compares: South Asian, 0.14%; no homozygotes.

Submissions (7):

Labcorp Genetics (formerly Invitae), Labcorp
Classification: Benign for Tuberous sclerosis 1. Last evaluated: 2026-02-03. Review status: criteria provided, single submitter. Criteria: Invitae Variant Classification Sherloc (09022015). Collection method: clinical testing. Allele origin: germline.

Blueprint Genetics
Classification: Likely benign. Last evaluated: 2024-11-18. Review status: criteria provided, single submitter. Criteria: ACMG Guidelines, 2015. Collection method: clinical testing. Allele origin: germline.

CeGaT Center for Human Genetics Tuebingen
Classification: Likely benign. Last evaluated: 2024-11-01. Review status: criteria provided, single submitter. Criteria: CeGaT Center For Human Genetics Tuebingen Variant Classification Criteria Version 2. Collection method: clinical testing. Allele origin: germline. Affected: yes. Observed: 4 variant alleles.
Comment: TSC1: BS1

KCCC/NGS Laboratory, Kuwait Cancer Control Center
Classification: Benign for Tuberous sclerosis 1. Last evaluated: 2023-07-07. Review status: criteria provided, single submitter. Criteria: ACMG Guidelines, 2015. Collection method: clinical testing. Allele origin: germline. Affected: yes.

Fulgent Genetics
Classification: Likely benign for Tuberous sclerosis 1; Lymphangiomyomatosis; Isolated focal cortical dysplasia type II. Last evaluated: 2022-05-05. Review status: criteria provided, single submitter. Criteria: ACMG Guidelines, 2015. Collection method: clinical testing. Allele origin: unknown.

Ambry Genetics
Classification: Uncertain significance for Hereditary cancer-predisposing syndrome. Last evaluated: 2014-11-25. Review status: criteria provided, single submitter. Criteria: Ambry Variant Classification Scheme 2023. Collection method: clinical testing. Allele origin: germline.
Comment: The c.2502+18A>C intronic alteration consists of a A to C substitution 8 nucleotides after coding exon 17 in the TSC1 gene. Based on insufficient or conflicting evidence, the clinical significance of this alteration remains unclear.

GeneDx
Classification: Benign. Last evaluated: 2013-01-29. Review status: criteria provided, single submitter. Criteria: GeneDx Variant Classification (06012015). Collection method: clinical testing. Allele origin: germline. Affected: yes.
Comment: This variant is considered likely benign or benign based on one or more of the following criteria: it is a conservative change, it occurs at a poorly conserved position in the protein, it is predicted to be benign by multiple in silico algorithms, and/or has population frequency not consistent with disease.

NM_000368.5(TSC1):c.2502+18A>C

Gene: TSC1 (TSC complex subunit 1; minus strand). Cytogenetic location: 9q34.13.
Variant type: single nucleotide variant.
Coding change: c.2502+18A>C on transcript NM_000368.5 (MANE Select); 18 bases into the intron after coding-DNA position 2502, A replaced by C.
Molecular consequence: intron variant.
Genome position (GRCh38, 1-based): chr9:132,901,571, T>G on the plus strand (A>C on the coding strand, the complement: TSC1 is on the minus strand). VCF-style: chr9-132901571-T-G. GRCh37 (hg19) VCF-style: chr9-135776958-T-G.
Other names: c.2139+18A>C (NM_001362177.2); c.2349+18A>C (NM_001162427.2); c.2499+18A>C (NM_001162426.2).
Identifiers: ClinVar variation 137733 (VCV000137733.40), dbSNP rs200908079, ClinGen allele CA006521.